The following is an entry in ClinVar:

NM_007294.4(BRCA1):c.2812C>T (p.Pro938Ser)

Gene: BRCA1 (BRCA1 DNA repair associated; minus strand). Cytogenetic location: 17q21.31.
Variant type: single nucleotide variant.
Coding change: c.2812C>T on transcript NM_007294.4 (MANE Select); coding-DNA position 2812, C replaced by T.
Protein change: p.Pro938Ser; replaces proline 938 with serine.
Molecular consequence: missense variant. On other transcripts: intron variant (137).
Genome position (GRCh38, 1-based): chr17:43,092,719, G>A on the plus strand (C>T on the coding strand, the complement: BRCA1 is on the minus strand). VCF-style: chr17-43092719-G-A. GRCh37 (hg19) VCF-style: chr17-41244736-G-A.
Other names: c.2602C>T, p.Pro868Ser (NM_001407879.1, NM_001407881.1, NM_001407882.1 and 13 more transcripts); c.2599C>T, p.Pro867Ser (NM_001407915.1, NM_001407916.1, NM_001407917.1 and 9 more transcripts); c.2548C>T, p.Pro850Ser (NM_001407929.1, NM_001407933.1, NM_001407935.1 and 9 more transcripts); c.2545C>T, p.Pro849Ser (NM_001407930.1, NM_001407931.1, NM_001407932.1 and 2 more transcripts); c.2689C>T, p.Pro897Ser (NM_001407937.1, NM_001407674.1, NM_001407675.1 and 19 more transcripts); c.2479C>T, p.Pro827Ser (NM_001407948.1, NM_001407949.1, NM_001407950.1 and 6 more transcripts); c.2476C>T, p.Pro826Ser (NM_001407954.1, NM_001407955.1, NM_001407956.1 and 1 more transcripts); c.2671C>T, p.Pro891Ser (NM_007297.4, NM_001407692.1, NM_001407694.1 and 29 more transcripts); and 41 more; short protein forms P938S, P891S, P811S, P827S, P850S, P871S, P911S, P810S.
Identifiers: ClinVar variation 801066 (VCV000801066.22), dbSNP rs1597867531, ClinGen allele CA10596367.

ClinVar aggregate classification (germline): Conflicting classifications of pathogenicity. Review status: criteria provided, conflicting classifications (1 of 4 stars). 5 submissions from 5 submitters: Uncertain significance (3); Benign (1); Likely benign (1). Last evaluated 2025-07-02.

Conditions:
Hereditary breast ovarian cancer syndrome. Also called: BRCA1- and BRCA2-Associated Hereditary Breast and Ovarian Cancer; Hereditary breast and ovarian cancer syndrome (HBOC); Hereditary breast and ovarian cancer syndrome; Breast and ovarian cancer; Hereditary breast and ovarian cancer; Hereditary breast and/or ovarian cancer syndrome. Identifiers: Orphanet 145, MedGen C0677776, MeSH D061325, MONDO:0003582. Disease mechanism: loss of function.
Hereditary cancer-predisposing syndrome. Also called: Hereditary Cancer Syndrome; Hereditary neoplastic syndrome; Neoplastic Syndromes, Hereditary; Tumor predisposition. Identifiers: Orphanet 140162, MedGen C0027672, MeSH D009386, MONDO:0015356.
Breast-ovarian cancer, familial, susceptibility to, 1 (BROVCA1). Also called: OVARIAN CANCER, SUSCEPTIBILITY TO; BRCA1 Hereditary Breast and Ovarian Cancer. Identifiers: Orphanet 145, MedGen C2676676, MONDO:0011450, OMIM 604370. Disease mechanism: loss of function.

Submissions (5):

Labcorp Genetics (formerly Invitae), Labcorp
Classification: Benign for Hereditary breast ovarian cancer syndrome. Last evaluated: 2025-07-02. Review status: criteria provided, single submitter. Criteria: Invitae Variant Classification Sherloc (09022015). Collection method: clinical testing. Allele origin: germline.

Ambry Genetics
Classification: Uncertain significance for Hereditary cancer-predisposing syndrome. Last evaluated: 2025-04-03. Review status: criteria provided, single submitter. Criteria: Ambry Variant Classification Scheme 2023. Collection method: clinical testing. Allele origin: germline.
Comment: The p.P938S variant (also known as c.2812C>T), located in coding exon 9 of the BRCA1 gene, results from a C to T substitution at nucleotide position 2812. The proline at codon 938 is replaced by serine, an amino acid with similar properties. This amino acid position is not well conserved in available vertebrate species. In addition, the in silico prediction for this alteration is inconclusive. Since supporting evidence is limited at this time, the clinical significance of this alteration remains unclear.

University of Washington Department of Laboratory Medicine, University of Washington
Classification: Likely benign for Hereditary cancer-predisposing syndrome. Last evaluated: 2023-03-23. Review status: criteria provided, single submitter. Criteria: Dines et al. (Genet Med. 2020). Collection method: curation. Allele origin: germline.
Comment: Missense variant in a coldspot region where missense variants are very unlikely to be pathogenic (PMID:31911673).

BRCA1 coldspot (exon 11 using historical exon numbering). Reclassification based on statistical prior probability

Quest Diagnostics Nichols Institute San Juan Capistrano
Classification: Uncertain significance. Last evaluated: 2019-07-16. Review status: criteria provided, single submitter. Criteria: Quest Diagnostics criteria. Collection method: clinical testing. Allele origin: germline.

Illumina Laboratory Services, Illumina
Classification: Uncertain significance for Breast-ovarian cancer, familial, susceptibility to, 1. Last evaluated: 2017-04-28. Review status: criteria provided, single submitter. Criteria: ICSL Variant Classification Criteria 13 December 2019. Collection method: clinical testing. Allele origin: germline.